The following is an entry in ClinVar:

NM_001378418.1(TCF20):c.2881T>C (p.Tyr961His)

Gene: TCF20 (transcription factor 20; minus strand). Cytogenetic location: 22q13.2.
Variant type: single nucleotide variant.
Coding change: c.2881T>C on transcript NM_001378418.1 (MANE Select); coding-DNA position 2881, T replaced by C.
Protein change: p.Tyr961His; replaces tyrosine 961 with histidine.
Molecular consequence: missense variant.
Genome position (GRCh38, 1-based): chr22:42,212,425, A>G on the plus strand (T>C on the coding strand, the complement: TCF20 is on the minus strand). VCF-style: chr22-42212425-A-G. GRCh37 (hg19) VCF-style: chr22-42608431-A-G.
Other names: c.2881T>C, p.Tyr961His (NM_005650.4, NM_181492.3); short protein forms Y961H.
Identifiers: ClinVar variation 5037407 (VCV005037407.1).

ClinVar aggregate classification (germline): Uncertain significance (1 of 4 stars; one submission).

Submission:

GeneDx
Classification: Uncertain significance. Last evaluated: 2026-04-21. Review status: criteria provided, single submitter. Criteria: GeneDx Variant Classification Process June 2021. Collection method: clinical testing. Allele origin: germline.
Comment: Not observed at significant frequency in large population cohorts (gnomAD); In silico analysis suggests that this missense variant does not alter protein structure/function; Has not been previously published as pathogenic or benign to our knowledge